The following is an entry in ClinVar:

ClinVar aggregate classification (germline): Uncertain significance (1 of 4 stars; one submission).

Conditions:
Werner syndrome (WRN). Identifiers: Orphanet 902, MedGen C0043119, MONDO:0010196, OMIM 277700.

Submission:

Labcorp Genetics (formerly Invitae), Labcorp
Classification: Uncertain significance for Werner syndrome. Last evaluated: 2025-05-14. Review status: criteria provided, single submitter. Criteria: Invitae Variant Classification Sherloc (09022015). Collection method: clinical testing. Allele origin: germline.
Comment: This sequence change replaces proline, which is neutral and non-polar, with alanine, which is neutral and non-polar, at codon 454 of the WRN protein (p.Pro454Ala). This variant is not present in population databases (gnomAD no frequency). This variant has not been reported in the literature in individuals affected with WRN-related conditions. ClinVar contains an entry for this variant (Variation ID: 2753922). An algorithm developed to predict the effect of missense changes on protein structure and function (PolyPhen-2) suggests that this variant is likely to be tolerated. In summary, the available evidence is currently insufficient to determine the role of this variant in disease. Therefore, it has been classified as a Variant of Uncertain Significance.

NM_000553.6(WRN):c.1360C>G (p.Pro454Ala)

Gene: WRN (WRN RecQ like helicase; plus strand). Cytogenetic location: 8p12.
Variant type: single nucleotide variant.
Coding change: c.1360C>G on transcript NM_000553.6 (MANE Select); coding-DNA position 1360, C replaced by G.
Protein change: p.Pro454Ala; replaces proline 454 with alanine.
Molecular consequence: missense variant.
Genome position (GRCh38, 1-based): chr8:31,085,175, C>G. VCF-style: chr8-31085175-C-G. GRCh37 (hg19) VCF-style: chr8-30942691-C-G.
Other names: short protein forms P454A.
Identifiers: ClinVar variation 2753922 (VCV002753922.3), dbSNP rs1813480707, ClinGen allele CA370923672.